The following is an entry in ClinVar:

NM_002318.3(LOXL2):c.1997-11C>A

Gene: LOXL2 (lysyl oxidase like 2; minus strand). Cytogenetic location: 8p21.3.
Variant type: single nucleotide variant.
Coding change: c.1997-11C>A on transcript NM_002318.3 (MANE Select); 11 bases into the intron before coding-DNA position 1997, C replaced by A.
Molecular consequence: intron variant.
Genome position (GRCh38, 1-based): chr8:23,302,174, G>T on the plus strand (C>A on the coding strand, the complement: LOXL2 is on the minus strand). VCF-style: chr8-23302174-G-T. GRCh37 (hg19) VCF-style: chr8-23159687-G-T.
Identifiers: ClinVar variation 513186 (VCV000513186.1), dbSNP rs200187619, ClinGen allele CA4675880.
Genomic context (GRCh38, chr8:23,302,174, plus strand): 5'-GGTGATGCCCTGATCGCCGAAGTTGGCACACTCGTAATTCTTCTGGATGTCTGCGGGCAG[G>T]GTAGAGGAGAGCTCATCACCAGGGAACCATGGCCCCACTGCCGCACCCTCTTCCTGCTTC-3'

ClinVar aggregate classification (germline): Likely benign (1 of 4 stars; one submission).

Allele frequency attached by ClinVar (database versions not stated): gnomAD 0.00003 and 0.00004; TOPMed 0.00003; ESP Exome Variant Server 0.00015; 1000 Genomes Project 30x 0.00016; 1000 Genomes Project 0.00020.
gnomAD v4.1: 72 of 1,613,804 alleles (0.0045%); highest among the groups gnomAD compares: South Asian, 0.0099%; no homozygotes.

Submission:

GeneDx
Classification: Likely benign. Last evaluated: 2017-11-09. Review status: criteria provided, single submitter. Criteria: GeneDx Variant Classification (06012015). Collection method: clinical testing. Allele origin: germline. Affected: yes.
Comment: This variant is considered likely benign or benign based on one or more of the following criteria: it is a conservative change, it occurs at a poorly conserved position in the protein, it is predicted to be benign by multiple in silico algorithms, and/or has population frequency not consistent with disease.